The following is an entry in ClinVar:

ClinVar aggregate classification (germline): Likely benign. Review status: criteria provided, multiple submitters, no conflicts (2 of 4 stars). 4 submissions from 4 submitters: Likely benign (4). Last evaluated 2025-03-11.

Conditions:
Cardiovascular phenotype. Identifiers: MedGen CN230736.
Catecholaminergic polymorphic ventricular tachycardia (CVPT). Also called: Catecholamine-induced polymorphic ventricular tachycardia. Identifiers: Orphanet 3286, MedGen C5574922, MONDO:0017990.
Cardiomyopathy (CMYO). Also called: Cardiomyopathies. Identifiers: Orphanet 167848, MedGen C0878544, MONDO:0004994, HP:0001638. Inheritance: Various modes of inheritance.
Catecholaminergic polymorphic ventricular tachycardia 1. Also called: VENTRICULAR TACHYCARDIA, CATECHOLAMINERGIC POLYMORPHIC, 1, WITH OR WITHOUT ATRIAL DYSFUNCTION AND/OR DILATED CARDIOMYOPATHY; RYR2-Related Catecholaminergic Polymorphic Ventricular Tachycardia; VENTRICULAR TACHYCARDIA, STRESS-INDUCED POLYMORPHIC 1. Identifiers: Orphanet 3286, MedGen C1631597, MONDO:0011484, OMIM 604772.

Allele frequency attached by ClinVar (database versions not stated): gnomAD exomes below 0.00001; TOPMed 0.00002; gnomAD 0.00003.
gnomAD v4.1: 5 of 1,613,190 alleles (0.00031%); highest among the groups gnomAD compares: African/African-American, 0.0067%; no homozygotes.

Submissions (4):

Labcorp Genetics (formerly Invitae), Labcorp
Classification: Likely benign for Catecholaminergic polymorphic ventricular tachycardia 1. Last evaluated: 2025-03-11. Review status: criteria provided, single submitter. Criteria: Invitae Variant Classification Sherloc (09022015). Collection method: clinical testing. Allele origin: germline.

All of Us Research Program, National Institutes of Health
Classification: Likely benign for Catecholaminergic polymorphic ventricular tachycardia. Last evaluated: 2023-06-26. Review status: criteria provided, single submitter. Criteria: ACMG Guidelines, 2015. Collection method: clinical testing. Allele origin: germline. Inheritance: Autosomal dominant inheritance. Observed: 1 variant allele, 1 heterozygote.
Comment: This study involves interpretation of variants in research participants for the purpose of population health screening. Participant phenotype was not available at the time of variant classification. Additional details can be found in publication PMID: 35346344, PMCID: PMC8962531

Ambry Genetics
Classification: Likely benign for Cardiovascular phenotype. Last evaluated: 2021-06-22. Review status: criteria provided, single submitter. Criteria: Ambry Variant Classification Scheme 2023. Collection method: clinical testing. Allele origin: germline.

Color Diagnostics, LLC DBA Color Health
Classification: Likely benign for Cardiomyopathy. Last evaluated: 2019-11-06. Review status: criteria provided, single submitter. Criteria: ACMG Guidelines, 2015. Collection method: clinical testing. Allele origin: germline.

NM_001035.3(RYR2):c.6936T>C (p.Ser2312=)

Gene: RYR2 (ryanodine receptor 2; plus strand). Cytogenetic location: 1q43.
Variant type: single nucleotide variant.
Coding change: c.6936T>C on transcript NM_001035.3 (MANE Select); coding-DNA position 6936, T replaced by C.
Protein change: p.Ser2312=; no amino-acid change (serine 2312 retained).
Molecular consequence: synonymous variant.
Genome position (GRCh38, 1-based): chr1:237,639,022, T>C. VCF-style: chr1-237639022-T-C. GRCh37 (hg19) VCF-style: chr1-237802322-T-C.
Other names: c.6936T>C (NM_001035.2).
Identifiers: ClinVar variation 921218 (VCV000921218.8), dbSNP rs1282237936, ClinGen allele CA423818990.